The following is an entry in ClinVar:

ClinVar aggregate classification (germline): Uncertain significance (1 of 4 stars; one submission).

Submission:

Women's Health and Genetics/Laboratory Corporation of America, LabCorp
Classification: Uncertain significance. Last evaluated: 2022-02-24. Review status: criteria provided, single submitter. Criteria: LabCorp Variant Classification Summary - May 2015. Collection method: clinical testing. Allele origin: germline.
Comment: Variant summary: NGLY1 c.544G>C (p.Val182Leu) results in a conservative amino acid change in the encoded protein sequence. Three of five in-silico tools predict a benign effect of the variant on protein function. The variant was absent in 248298 control chromosomes. The available data on variant occurrences in the general population are insufficient to allow any conclusion about variant significance. To our knowledge, no occurrence of c.544G>C in individuals affected with NGLY1-associated Congenital Disorder Of Deglycosylation and no experimental evidence demonstrating its impact on protein function have been reported. No clinical diagnostic laboratories have submitted clinical-significance assessments for this variant to ClinVar after 2014. Based on the evidence outlined above, the variant was classified as uncertain significance.

NM_018297.4(NGLY1):c.544G>C (p.Val182Leu)

Gene: NGLY1 (N-glycanase 1; minus strand). Cytogenetic location: 3p24.2.
Variant type: single nucleotide variant.
Coding change: c.544G>C on transcript NM_018297.4 (MANE Select); coding-DNA position 544, G replaced by C.
Protein change: p.Val182Leu; replaces valine 182 with leucine.
Molecular consequence: missense variant.
Genome position (GRCh38, 1-based): chr3:25,751,212, C>G on the plus strand (G>C on the coding strand, the complement: NGLY1 is on the minus strand). VCF-style: chr3-25751212-C-G. GRCh37 (hg19) VCF-style: chr3-25792703-C-G.
Other names: c.544G>C, p.Val182Leu (NM_001145293.2, NM_001145295.2); c.418G>C, p.Val140Leu (NM_001145294.2); short protein forms V140L, V182L.
Identifiers: ClinVar variation 1343690 (VCV001343690.1), dbSNP rs981738620, ClinGen allele CA351906204.